The following is an entry in ClinVar:

ClinVar aggregate classification (germline): Uncertain significance (1 of 4 stars; one submission).

Submission:

GeneDx
Classification: Uncertain significance. Last evaluated: 2025-08-08. Review status: criteria provided, single submitter. Criteria: GeneDx Variant Classification Process June 2021. Collection method: clinical testing. Allele origin: germline. Affected: yes.
Comment: Not observed at significant frequency in large population cohorts (gnomAD); In silico analysis supports that this missense variant has a deleterious effect on protein structure/function; Has not been previously published as pathogenic or benign to our knowledge

NM_001303052.2(MYT1L):c.2948A>C (p.Lys983Thr)

Gene: MYT1L (myelin transcription factor 1 like; minus strand). Cytogenetic location: 2p25.3.
Variant type: single nucleotide variant.
Coding change: c.2948A>C on transcript NM_001303052.2 (MANE Select); coding-DNA position 2948, A replaced by C.
Protein change: p.Lys983Thr; replaces lysine 983 with threonine.
Molecular consequence: missense variant.
Genome position (GRCh38, 1-based): chr2:1,839,281, T>G on the plus strand (A>C on the coding strand, the complement: MYT1L is on the minus strand). VCF-style: chr2-1839281-T-G. GRCh37 (hg19) VCF-style: chr2-1843053-T-G.
Other names: c.2948A>C, p.Lys983Thr (NM_001329844.2, NM_001329845.1, NM_001329851.3); c.2942A>C, p.Lys981Thr (NM_001329846.3, NM_001329847.2, NM_001329848.1 and 3 more transcripts); short protein forms K981T, K983T.
Identifiers: ClinVar variation 4755646 (VCV004755646.1).